The following is an entry in ClinVar:

NM_001378454.1(ALMS1):c.11054_11055del (p.Ser3685fs)

Gene: ALMS1 (ALMS1 centrosome and basal body associated protein; plus strand). Cytogenetic location: 2p13.1.
Variant type: Deletion.
Coding change: c.11054_11055del on transcript NM_001378454.1 (MANE Select); coding-DNA positions 11054 to 11055, 2 bases deleted (GC; older notation c.11054_11055delGC).
Protein change: p.Ser3685fs; shifts the reading frame from serine 3685.
Molecular consequence: frameshift variant.
Genome position (GRCh38, 1-based): chr2:73,572,931-73,572,932, GC deleted. VCF-style (leftmost placement, unchanged base first): chr2-73572930-AGC-A. GRCh37 (hg19) VCF-style: chr2-73800057-AGC-A.
Other names: c.11057_11058del, p.Ser3686fs (NM_015120.4); short protein forms S3686fs, S3685fs.
Identifiers: ClinVar variation 2840930 (VCV002840930.3), dbSNP rs2466445680, ClinGen allele CA2739271098.

ClinVar aggregate classification (germline): Pathogenic (1 of 4 stars; one submission).

Conditions:
Alstrom syndrome (ALMS). Identifiers: Orphanet 64, MedGen C0268425, MONDO:0008763, OMIM 203800.

Submission:

Labcorp Genetics (formerly Invitae), Labcorp
Classification: Pathogenic for Alstrom syndrome. Last evaluated: 2023-02-26. Review status: criteria provided, single submitter. Criteria: Invitae Variant Classification Sherloc (09022015). Collection method: clinical testing. Allele origin: germline.
Comment: This sequence change creates a premature translational stop signal (p.Ser3686Thrfs*2) in the ALMS1 gene. It is expected to result in an absent or disrupted protein product. Loss-of-function variants in ALMS1 are known to be pathogenic (PMID: 17594715). This variant is not present in population databases (gnomAD no frequency). This variant has not been reported in the literature in individuals affected with ALMS1-related conditions. For these reasons, this variant has been classified as Pathogenic.

Literature cited by the submitters: PubMed 17594715.